The following is an entry in ClinVar:

NM_001378687.1(ATP2C1):c.532-7C>G

Gene: ATP2C1 (ATPase secretory pathway Ca2+ transporting 1; plus strand). Cytogenetic location: 3q22.1.
Variant type: single nucleotide variant.
Coding change: c.532-7C>G on transcript NM_001378687.1 (MANE Select); 7 bases into the intron before coding-DNA position 532, C replaced by G.
Molecular consequence: intron variant.
Genome position (GRCh38, 1-based): chr3:130,953,814, C>G. VCF-style: chr3-130953814-C-G. GRCh37 (hg19) VCF-style: chr3-130672658-C-G.
Other names: c.532-7C>G (NM_001199179.3, NM_001199185.2, NM_014382.5 and 5 more transcripts); c.484-7C>G (NM_001199184.3, NM_001378514.1, NM_001199183.2); c.634-7C>G (NM_001378511.1, NM_001199180.2, NM_001199181.3); c.517-7C>G (NM_001199182.2).
Identifiers: ClinVar variation 2891992 (VCV002891992.3), dbSNP rs770230019, ClinGen allele CA2614862.
Genomic context (GRCh38, chr3:130,953,814, plus strand): 5'-GTTATGAACTCTAGAGATGTTAAATGTAGCACAAAATTTGAATCTGGGATTCTTTATGTT[C>G]CCTAAGGCTGTGGATCTTTCCATTGATGAGTCCAGCTTGACAGGTGAGACAACGCCTTGT-3'

ClinVar aggregate classification (germline): Uncertain significance (1 of 4 stars; one submission).

Allele frequency attached by ClinVar (database versions not stated): ExAC 0.00002.
gnomAD v4.1: 125 of 1,613,772 alleles (0.0077%); highest among the groups gnomAD compares: Admixed American, 0.017%; no homozygotes.

Submission:

Labcorp Genetics (formerly Invitae), Labcorp
Classification: Uncertain significance. Last evaluated: 2023-05-23. Review status: criteria provided, single submitter. Criteria: Invitae Variant Classification Sherloc (09022015). Collection method: clinical testing. Allele origin: germline.
Comment: This sequence change falls in intron 7 of the ATP2C1 gene. It does not directly change the encoded amino acid sequence of the ATP2C1 protein. This variant is present in population databases (rs770230019, gnomAD 0.009%). This variant has not been reported in the literature in individuals affected with ATP2C1-related conditions. Algorithms developed to predict the effect of sequence changes on RNA splicing suggest that this variant may create or strengthen a splice site. In summary, the available evidence is currently insufficient to determine the role of this variant in disease. Therefore, it has been classified as a Variant of Uncertain Significance.